The following is an entry in ClinVar:

NM_147127.5(EVC2):c.176G>A (p.Gly59Asp)

Gene: EVC2 (EvC ciliary complex subunit 2; minus strand). Cytogenetic location: 4p16.2.
Variant type: single nucleotide variant.
Coding change: c.176G>A on transcript NM_147127.5 (MANE Select); coding-DNA position 176, G replaced by A.
Protein change: p.Gly59Asp; replaces glycine 59 with aspartic acid.
Molecular consequence: missense variant. On other transcripts: intron variant (1).
Genome position (GRCh38, 1-based): chr4:5,708,338, C>T on the plus strand (G>A on the coding strand, the complement: EVC2 is on the minus strand). VCF-style: chr4-5708338-C-T. GRCh37 (hg19) VCF-style: chr4-5710065-C-T.
Other names: c.-13+491G>A (NM_001166136.2); short protein forms G59D.
Identifiers: ClinVar variation 1911880 (VCV001911880.5), dbSNP rs535274320, ClinGen allele CA356154355.

ClinVar aggregate classification (germline): Uncertain significance (1 of 4 stars; one submission).

Conditions:
Curry-Hall syndrome (WAD). Also called: WEYERS ACRODENTAL DYSOSTOSIS. Identifiers: Orphanet 952, MedGen C0457013, MONDO:0008673, OMIM 193530.
Ellis-van Creveld syndrome (EVC). Also called: EVC-Related Ellis-van Creveld Syndrome; EVC2-Related Ellis-van Creveld Syndrome; Chondroectodermal dysplasia; MESOECTODERMAL DYSPLASIA. Identifiers: Orphanet 289, MedGen C0013903, MONDO:0009162, OMIM 225500.

Submission:

Labcorp Genetics (formerly Invitae), Labcorp
Classification: Uncertain significance for Curry-Hall syndrome; Ellis-van Creveld syndrome. Last evaluated: 2022-07-24. Review status: criteria provided, single submitter. Criteria: Invitae Variant Classification Sherloc (09022015). Collection method: clinical testing. Allele origin: germline.
Comment: In summary, the available evidence is currently insufficient to determine the role of this variant in disease. Therefore, it has been classified as a Variant of Uncertain Significance. Algorithms developed to predict the effect of missense changes on protein structure and function are either unavailable or do not agree on the potential impact of this missense change (SIFT: "Deleterious"; PolyPhen-2: "Benign"; Align-GVGD: "Class C0"). This variant has not been reported in the literature in individuals affected with EVC2-related conditions. This variant is not present in population databases (gnomAD no frequency). This sequence change replaces glycine, which is neutral and non-polar, with aspartic acid, which is acidic and polar, at codon 59 of the EVC2 protein (p.Gly59Asp).